The following is an entry in ClinVar:

NM_147686.4(TRAF3IP2):c.1058G>A (p.Gly353Asp)

Genes: TRAF3IP2 (TRAF3 interacting protein 2; minus strand), TRAF3IP2-AS1 (TRAF3IP2 antisense RNA 1; plus strand). Cytogenetic location: 6q21.
Variant type: single nucleotide variant.
Coding change: c.1058G>A on transcript NM_147686.4 (MANE Select); coding-DNA position 1058, G replaced by A.
Protein change: p.Gly353Asp; replaces glycine 353 with aspartic acid.
Molecular consequence: missense variant.
Genome position (GRCh38, 1-based): chr6:111,575,786, C>T on the plus strand (G>A on the coding strand, the complement: TRAF3IP2 is on the minus strand). VCF-style: chr6-111575786-C-T. GRCh37 (hg19) VCF-style: chr6-111896989-C-T.
Other names: c.1058G>A, p.Gly353Asp (NM_001164281.3); c.1085G>A, p.Gly362Asp (NM_147200.3); c.1058G>A (NM_147686.2); short protein forms G353D, G362D.
Identifiers: ClinVar variation 567507 (VCV000567507.9), dbSNP rs148619849, ClinGen allele CA3963191.

ClinVar aggregate classification (germline): Uncertain significance. Review status: criteria provided, multiple submitters, no conflicts (2 of 4 stars). 2 submissions from 2 submitters: Uncertain significance (2). Last evaluated 2024-12-02.

Conditions:
Candidiasis, familial, 8 (CANDF8). Identifiers: Orphanet 1334, MedGen C3714992, MONDO:0014230, OMIM 615527.

Allele frequency attached by ClinVar (database versions not stated): gnomAD exomes 0.00009; ExAC 0.00014; 1000 Genomes Project 0.00020; gnomAD 0.00027 and 0.00031; 1000 Genomes Project 30x 0.00031; TOPMed 0.00043; ESP Exome Variant Server 0.00046.
gnomAD v4.1: 90 of 1,609,504 alleles (0.0056%); highest among the groups gnomAD compares: African/African-American, 0.11%; no homozygotes.

Submissions (2):

Labcorp Genetics (formerly Invitae), Labcorp
Classification: Uncertain significance for Candidiasis, familial, 8. Last evaluated: 2024-12-02. Review status: criteria provided, single submitter. Criteria: Invitae Variant Classification Sherloc (09022015). Collection method: clinical testing. Allele origin: germline.
Comment: This sequence change replaces glycine, which is neutral and non-polar, with aspartic acid, which is acidic and polar, at codon 353 of the TRAF3IP2 protein (p.Gly353Asp). This variant is present in population databases (rs148619849, gnomAD 0.1%). This variant has not been reported in the literature in individuals affected with TRAF3IP2-related conditions. ClinVar contains an entry for this variant (Variation ID: 567507). Invitae Evidence Modeling of protein sequence and biophysical properties (such as structural, functional, and spatial information, amino acid conservation, physicochemical variation, residue mobility, and thermodynamic stability) indicates that this missense variant is not expected to disrupt TRAF3IP2 protein function with a negative predictive value of 80%. In summary, the available evidence is currently insufficient to determine the role of this variant in disease. Therefore, it has been classified as a Variant of Uncertain Significance.

Ambry Genetics
Classification: Uncertain significance. Last evaluated: 2024-03-01. Review status: criteria provided, single submitter. Criteria: Ambry Variant Classification Scheme 2023. Collection method: clinical testing. Allele origin: germline.